The following is an entry in ClinVar:

ClinVar aggregate classification (germline): Benign/Likely benign. Review status: criteria provided, multiple submitters, no conflicts (2 of 4 stars). 10 submissions from 10 submitters: Benign (1); Likely benign (8). 1 of the submissions does not count toward it. Last evaluated 2026-06-01.

Conditions:
VHL-related disorder. Also called: VHL-related condition.
Hereditary cancer-predisposing syndrome. Also called: Neoplastic Syndromes, Hereditary; Hereditary neoplastic syndrome; Tumor predisposition; Hereditary Cancer Syndrome. Identifiers: Orphanet 140162, MedGen C0027672, MeSH D009386, MONDO:0015356.
Von Hippel-Lindau syndrome (VHLS). Also called: Von Hippel-Lindau; von Hippel–Lindau syndrome; VHL syndrome. Identifiers: Orphanet 892, MedGen C0019562, MONDO:0008667, OMIM 193300. Disease mechanism: loss of function.
Chuvash polycythemia. Also called: POLYCYTHEMIA, VHL-DEPENDENT. Identifiers: Orphanet 238557, MedGen C1837915, MONDO:0009892, OMIM 263400.

Allele frequency attached by ClinVar (database versions not stated): ExAC 0.00002; gnomAD 0.00002 and 0.00003; gnomAD exomes 0.00002; TOPMed 0.00002; 1000 Genomes Project 30x 0.00016.

Submissions (10):

CeGaT Center for Human Genetics Tuebingen
Classification: Likely benign. Last evaluated: 2026-06-01. Review status: criteria provided, single submitter. Criteria: CeGaT Center For Human Genetics Tuebingen Variant Classification Criteria Version 2. Collection method: clinical testing. Allele origin: germline. Affected: yes. Observed: 1 variant allele.
Comment: VHL: BP4, BP7

Labcorp Genetics (formerly Invitae), Labcorp
Classification: Likely benign for Von Hippel-Lindau syndrome; Chuvash polycythemia. Last evaluated: 2025-11-24. Review status: criteria provided, single submitter. Criteria: Invitae Variant Classification Sherloc (09022015). Collection method: clinical testing. Allele origin: germline.

Myriad Genetics, Inc.
Classification: Benign for Von Hippel-Lindau syndrome. Last evaluated: 2025-06-11. Review status: criteria provided, single submitter. Criteria: Myriad Autosomal Dominant, Autosomal Recessive and X-Linked Classification Criteria (2023). Collection method: clinical testing. Allele origin: unknown.
Comment: This variant is considered benign. This variant is a silent/synonymous amino acid change and it is not expected to impact splicing.

Center for Genomic Medicine, Rigshospitalet, Copenhagen University Hospital
Classification: Likely benign. Last evaluated: 2025-03-04. Review status: criteria provided, single submitter. Criteria: ACMG Guidelines, 2015. Collection method: clinical testing. Allele origin: germline.

All of Us Research Program, National Institutes of Health
Classification: Likely benign for Von Hippel-Lindau syndrome. Last evaluated: 2024-01-11. Review status: criteria provided, single submitter. Criteria: ACMG Guidelines, 2015. Collection method: clinical testing. Allele origin: germline. Inheritance: Autosomal dominant inheritance. Observed: 6 variant alleles, 6 heterozygotes.
Comment: This study involves interpretation of variants in research participants for the purpose of population health screening. Participant phenotype was not available at the time of variant classification. Additional details can be found in publication PMID: 35346344, PMCID: PMC8962531

Color Diagnostics, LLC DBA Color Health
Classification: Likely benign for Von Hippel-Lindau syndrome. Last evaluated: 2022-05-02. Review status: criteria provided, single submitter. Criteria: ACMG Guidelines, 2015. Collection method: clinical testing. Allele origin: germline.

Sema4
Classification: Likely benign for Hereditary cancer-predisposing syndrome. Last evaluated: 2021-01-16. Review status: criteria provided, single submitter. Criteria: Sema4 Curation Guidelines. Collection method: curation. Allele origin: germline.

GeneDx
Classification: Likely benign. Last evaluated: 2017-04-11. Review status: criteria provided, single submitter. Criteria: GeneDx Variant Classification (06012015). Collection method: clinical testing. Allele origin: germline. Affected: yes.
Comment: This variant is considered likely benign or benign based on one or more of the following criteria: it is a conservative change, it occurs at a poorly conserved position in the protein, it is predicted to be benign by multiple in silico algorithms, and/or has population frequency not consistent with disease.

Ambry Genetics
Classification: Likely benign for Hereditary cancer-predisposing syndrome. Last evaluated: 2015-03-06. Review status: criteria provided, single submitter. Criteria: Ambry Variant Classification Scheme 2023. Collection method: clinical testing. Allele origin: germline.

PreventionGenetics, part of Exact Sciences
Classification: Likely benign for VHL-related condition. Last evaluated: 2024-06-18. Review status: no assertion criteria provided. Collection method: clinical testing. Allele origin: germline. Not counted in ClinVar's aggregate classification.
Comment: This variant is classified as likely benign based on ACMG/AMP sequence variant interpretation guidelines (Richards et al. 2015 PMID: 25741868, with internal and published modifications).

NM_000551.4(VHL):c.315G>C (p.Thr105=)

Gene: VHL (von Hippel-Lindau tumor suppressor; plus strand). Cytogenetic location: 3p25.3.
Variant type: single nucleotide variant.
Coding change: c.315G>C on transcript NM_000551.4 (MANE Select); coding-DNA position 315, G replaced by C.
Protein change: p.Thr105=; no amino-acid change (threonine 105 retained).
Molecular consequence: synonymous variant.
Genome position (GRCh38, 1-based): chr3:10,142,162, G>C. VCF-style: chr3-10142162-G-C. GRCh37 (hg19) VCF-style: chr3-10183846-G-C.
Other names: c.315G>C, p.Thr105= (NM_001354723.2, NM_198156.3).
Identifiers: ClinVar variation 387734 (VCV000387734.29), dbSNP rs769102979, ClinGen allele CA040259.